The following is an entry in ClinVar:

NM_015160.3(PMPCA):c.1060G>A (p.Gly354Arg)

Gene: PMPCA (peptidase, mitochondrial processing subunit alpha; plus strand). Cytogenetic location: 9q34.3.
Variant type: single nucleotide variant.
Coding change: c.1060G>A on transcript NM_015160.3 (MANE Select); coding-DNA position 1060, G replaced by A.
Protein change: p.Gly354Arg; replaces glycine 354 with arginine.
Molecular consequence: missense variant.
Genome position (GRCh38, 1-based): chr9:136,418,624, G>A. VCF-style: chr9-136418624-G-A. GRCh37 (hg19) VCF-style: chr9-139313076-G-A.
Other names: c.667G>A, p.Gly223Arg (NM_001282944.2); c.760G>A, p.Gly254Arg (NM_001282946.2); short protein forms G223R, G254R, G354R.
Identifiers: ClinVar variation 3026746 (VCV003026746.22), dbSNP rs2538850019, ClinGen allele CA375555769.

ClinVar aggregate classification (germline): Uncertain significance (1 of 4 stars; one submission).

Submission:

CeGaT Center for Human Genetics Tuebingen
Classification: Uncertain significance. Last evaluated: 2024-02-01. Review status: criteria provided, single submitter. Criteria: CeGaT Center For Human Genetics Tuebingen Variant Classification Criteria Version 2. Collection method: clinical testing. Allele origin: germline. Affected: yes. Observed: 1 variant allele.
Comment: PMPCA: PM2